The following is an entry in ClinVar:

ClinVar aggregate classification (germline): Uncertain significance (1 of 4 stars; one submission).

Conditions:
ALMS1-related disorder. Also called: ALMS1-related condition.

Submission:

PreventionGenetics, part of Exact Sciences
Classification: Uncertain significance for ALMS1-related condition. Last evaluated: 2024-02-02. Review status: criteria provided, single submitter. Criteria: ACMG Guidelines, 2015. Collection method: clinical testing. Allele origin: germline.
Comment: The ALMS1 c.12161G>A variant is predicted to result in the amino acid substitution p.Arg4054Gln. To our knowledge, this variant has not been reported in the literature. This variant is reported in 0.0062% of alleles in individuals of African descent in gnomAD. At this time, the clinical significance of this variant is uncertain due to the absence of conclusive functional and genetic evidence.

NM_001378454.1(ALMS1):c.12158G>A (p.Gly4053Glu)

Genes: ALMS1 (ALMS1 centrosome and basal body associated protein; plus strand), LOC126806252 (BRD4-independent group 4 enhancer GRCh37_chr2:73828496-73829695; plus strand). Cytogenetic location: 2p13.1.
Variant type: single nucleotide variant.
Coding change: c.12158G>A on transcript NM_001378454.1 (MANE Select); coding-DNA position 12158, G replaced by A.
Protein change: p.Gly4053Glu; replaces glycine 4053 with glutamic acid.
Molecular consequence: missense variant.
Genome position (GRCh38, 1-based): chr2:73,602,228, G>A. VCF-style: chr2-73602228-G-A. GRCh37 (hg19) VCF-style: chr2-73829355-G-A.
Other names: c.12161G>A, p.Gly4054Glu (NM_015120.4); short protein forms G4053E, G4054E.
Identifiers: ClinVar variation 3045262 (VCV003045262.1), dbSNP rs756267296, ClinGen allele CA347267859.